The following is an entry in ClinVar:

NM_170707.4(LMNA):c.1158G>C (p.Arg386Ser)

Gene: LMNA (lamin A/C; plus strand). Cytogenetic location: 1q22.
Variant type: single nucleotide variant.
Coding change: c.1158G>C on transcript NM_170707.4 (MANE Select); coding-DNA position 1158, G replaced by C.
Protein change: p.Arg386Ser; replaces arginine 386 with serine.
Molecular consequence: missense variant.
Genome position (GRCh38, 1-based): chr1:156,136,214, G>C. VCF-style: chr1-156136214-G-C. GRCh37 (hg19) VCF-style: chr1-156106005-G-C.
Other names: c.822G>C, p.Arg274Ser (NM_001257374.3); c.915G>C, p.Arg305Ser (NM_001282624.2); c.1158G>C, p.Arg386Ser (NM_001282625.2, NM_001282626.2, NM_005572.4 and 1 more transcripts); short protein forms R386S, R305S, R274S.
Identifiers: ClinVar variation 245758 (VCV000245758.6), dbSNP rs879253933, ClinGen allele CA10584129.

ClinVar aggregate classification (germline): Uncertain significance. Review status: criteria provided, multiple submitters, no conflicts (2 of 4 stars). 2 submissions from 2 submitters: Uncertain significance (2). Last evaluated 2022-03-26.

Conditions:
Charcot-Marie-Tooth disease type 2. Also called: Charcot-Marie-Tooth type 2. Identifiers: Orphanet 64746, MedGen C0270914, MONDO:0018993.

Submissions (2):

Labcorp Genetics (formerly Invitae), Labcorp
Classification: Uncertain significance for Charcot-Marie-Tooth disease type 2. Last evaluated: 2022-03-26. Review status: criteria provided, single submitter. Criteria: Invitae Variant Classification Sherloc (09022015). Collection method: clinical testing. Allele origin: germline.
Comment: Algorithms developed to predict the effect of missense changes on protein structure and function (SIFT, PolyPhen-2, Align-GVGD) all suggest that this variant is likely to be disruptive. Algorithms developed to predict the effect of sequence changes on RNA splicing suggest that this variant may create or strengthen a splice site. This variant disrupts the p.Arg386 amino acid residue in LMNA. Other variant(s) that disrupt this residue have been determined to be pathogenic (PMID: 23427149; Invitae). This suggests that this residue is clinically significant, and that variants that disrupt this residue are likely to be disease-causing. In summary, the available evidence is currently insufficient to determine the role of this variant in disease. Therefore, it has been classified as a Variant of Uncertain Significance. ClinVar contains an entry for this variant (Variation ID: 245758). This sequence change replaces arginine, which is basic and polar, with serine, which is neutral and polar, at codon 386 of the LMNA protein (p.Arg386Ser). This variant is not present in population databases (gnomAD no frequency). This variant has not been reported in the literature in individuals affected with LMNA-related conditions.

GeneDx
Classification: Uncertain significance. Last evaluated: 2015-04-24. Review status: criteria provided, single submitter. Criteria: GeneDx Variant Classification (06012015). Collection method: clinical testing. Allele origin: germline. Affected: yes.
Comment: The R386S variant has not been published as a pathogenic variant or been reported as a benign polymorphism to our knowledge. The R386S variant was not observed in approximately 6500 individuals of European and African American ancestry in the NHLBI Exome Sequencing Project, indicating it is not a common benign variant in these populations. Although the R386S variant is a semi-conservative amino acid substitution, which may impact secondary protein structure as these residues differ in some properties; this substitution occurs at a position that is conserved across species. In silico analysis predicts this variant is probably damaging to the protein structure/function. Located in the tail region of the LMNA gene, another missense variant in the same residue (R386M) and missense variants in nearby residues (G382V, G382G, L387V, R388C, R388H) have been reported in the HGMD in association with LMNA-related disorders (Stenson et al., 2009), supporting the functional importance of this region of the protein.

Literature cited by the submitters: PubMed 23427149 (cited by Labcorp Genetics (formerly Invitae), Labcorp).